The following is an entry in ClinVar:

NM_000322.5(PRPH2):c.292C>A (p.Leu98Met)

Gene: PRPH2 (peripherin 2; minus strand). Cytogenetic location: 6p21.1.
Variant type: single nucleotide variant.
Coding change: c.292C>A on transcript NM_000322.5 (MANE Select); coding-DNA position 292, C replaced by A.
Protein change: p.Leu98Met; replaces leucine 98 with methionine.
Molecular consequence: missense variant.
Genome position (GRCh38, 1-based): chr6:42,722,043, G>T on the plus strand (C>A on the coding strand, the complement: PRPH2 is on the minus strand). VCF-style: chr6-42722043-G-T. GRCh37 (hg19) VCF-style: chr6-42689781-G-T.
Other names: short protein forms L98M.
Identifiers: ClinVar variation 1377933 (VCV001377933.6), dbSNP rs1417128552, ClinGen allele CA364137981.

ClinVar aggregate classification (germline): Uncertain significance (1 of 4 stars; one submission).

Conditions:
PRPH2-related disorder. Also called: PRPH2-related condition; PRPH2-related disorders. Identifiers: MedGen CN239395.

Submission:

Labcorp Genetics (formerly Invitae), Labcorp
Classification: Uncertain significance for PRPH2-related disorder. Last evaluated: 2022-08-31. Review status: criteria provided, single submitter. Criteria: Invitae Variant Classification Sherloc (09022015). Collection method: clinical testing. Allele origin: germline.
Comment: ClinVar contains an entry for this variant (Variation ID: 1377933). In summary, the available evidence is currently insufficient to determine the role of this variant in disease. Therefore, it has been classified as a Variant of Uncertain Significance. Algorithms developed to predict the effect of missense changes on protein structure and function are either unavailable or do not agree on the potential impact of this missense change (SIFT: "Deleterious"; PolyPhen-2: "Possibly Damaging"; Align-GVGD: "Class C0"). This variant has not been reported in the literature in individuals affected with PRPH2-related conditions. This variant is not present in population databases (gnomAD no frequency). This sequence change replaces leucine, which is neutral and non-polar, with methionine, which is neutral and non-polar, at codon 98 of the PRPH2 protein (p.Leu98Met).